The following is an entry in ClinVar:

ClinVar aggregate classification (germline): Conflicting classifications of pathogenicity. Review status: criteria provided, conflicting classifications (1 of 4 stars). 3 submissions from 3 submitters: Uncertain significance (2); Likely benign (1). Last evaluated 2026-07-10.

Conditions:
Alstrom syndrome (ALMS). Identifiers: Orphanet 64, MedGen C0268425, MONDO:0008763, OMIM 203800.
Cardiovascular phenotype. Identifiers: MedGen CN230736.

Allele frequency attached by ClinVar (database versions not stated): gnomAD exomes below 0.00001; gnomAD 0.00001; TOPMed 0.00001.
gnomAD v4.1: 7 of 1,614,028 alleles (0.00043%); highest among the groups gnomAD compares: African/African-American, 0.0013%; no homozygotes.

Submissions (3):

Ambry Genetics
Classification: Likely benign for Cardiovascular phenotype. Last evaluated: 2026-07-10. Review status: criteria provided, single submitter. Criteria: Ambry Variant Classification Scheme 2023. Collection method: clinical testing. Allele origin: germline.

Labcorp Genetics (formerly Invitae), Labcorp
Classification: Uncertain significance for Alstrom syndrome. Last evaluated: 2022-04-15. Review status: criteria provided, single submitter. Criteria: Invitae Variant Classification Sherloc (09022015). Collection method: clinical testing. Allele origin: germline.
Comment: This sequence change replaces histidine, which is basic and polar, with tyrosine, which is neutral and polar, at codon 1448 of the ALMS1 protein (p.His1448Tyr). This variant is present in population databases (no rsID available, gnomAD 0.007%). This variant has not been reported in the literature in individuals affected with ALMS1-related conditions. Experimental studies and prediction algorithms are not available or were not evaluated, and the functional significance of this variant is currently unknown. In summary, the available evidence is currently insufficient to determine the role of this variant in disease. Therefore, it has been classified as a Variant of Uncertain Significance.

New York Genome Center
Classification: Uncertain significance for Alstrom syndrome. Last evaluated: 2021-05-07. Review status: criteria provided, single submitter. Criteria: NYGC Assertion Criteria 2020. Collection method: clinical testing. Allele origin: germline. Observed: 1 heterozygote.

NM_001378454.1(ALMS1):c.4339C>T (p.His1447Tyr)

Gene: ALMS1 (ALMS1 centrosome and basal body associated protein; plus strand). Cytogenetic location: 2p13.1.
Variant type: single nucleotide variant.
Coding change: c.4339C>T on transcript NM_001378454.1 (MANE Select); coding-DNA position 4339, C replaced by T.
Protein change: p.His1447Tyr; replaces histidine 1447 with tyrosine.
Molecular consequence: missense variant.
Genome position (GRCh38, 1-based): chr2:73,450,866, C>T. VCF-style: chr2-73450866-C-T. GRCh37 (hg19) VCF-style: chr2-73677993-C-T.
Other names: c.4342C>T, p.His1448Tyr (NM_015120.4); short protein forms H1447Y, H1448Y.
Identifiers: ClinVar variation 2040228 (VCV002040228.3), dbSNP rs1350478153, ClinGen allele CA347278185.